The following is an entry in ClinVar:

ClinVar aggregate classification (germline): Likely pathogenic (1 of 4 stars; one submission).

Conditions:
Fanconi anemia (FA). Also called: Fanconi's anemia. Identifiers: Orphanet 84, MedGen C0015625, MeSH D005199, MONDO:0019391.

Allele frequency attached by ClinVar (database versions not stated): gnomAD exomes below 0.00001.
gnomAD v4.1: 2 of 1,614,112 alleles (0.00012%); highest among the groups gnomAD compares: Non-Finnish European, 0.00017%; no homozygotes.

Submission:

Labcorp Genetics (formerly Invitae), Labcorp
Classification: Likely pathogenic for Fanconi anemia. Last evaluated: 2022-08-25. Review status: criteria provided, single submitter. Criteria: Invitae Variant Classification Sherloc (09022015). Collection method: clinical testing. Allele origin: germline.
Comment: This sequence change affects an acceptor splice site in intron 10 of the FANCG gene. It is expected to disrupt RNA splicing. Variants that disrupt the donor or acceptor splice site typically lead to a loss of protein function (PMID: 16199547), and loss-of-function variants in FANCG are known to be pathogenic (PMID: 12552564). Algorithms developed to predict the effect of sequence changes on RNA splicing suggest that this variant may disrupt the consensus splice site. This variant has not been reported in the literature in individuals affected with FANCG-related conditions. This variant is not present in population databases (gnomAD no frequency). In summary, the currently available evidence indicates that the variant is pathogenic, but additional data are needed to prove that conclusively. Therefore, this variant has been classified as Likely Pathogenic.

Literature cited by the submitters: PubMed 16199547; PubMed 12552564.

NM_004629.2(FANCG):c.1434-1G>C

Gene: FANCG (FA complementation group G; minus strand). Cytogenetic location: 9p13.3.
Variant type: single nucleotide variant.
Coding change: c.1434-1G>C on transcript NM_004629.2 (MANE Select); the canonical splice acceptor site of the intron before coding-DNA position 1434, G replaced by C.
Molecular consequence: splice acceptor variant.
Genome position (GRCh38, 1-based): chr9:35,075,326, C>G on the plus strand (G>C on the coding strand, the complement: FANCG is on the minus strand). VCF-style: chr9-35075326-C-G. GRCh37 (hg19) VCF-style: chr9-35075323-C-G.
Identifiers: ClinVar variation 1939333 (VCV001939333.5), dbSNP rs1829062032, ClinGen allele CA373306160.
Genomic context (GRCh38, chr9:35,075,326, plus strand): 5'-AAGTTTAGATCACCTTGTTCTTTTTCCTCAGGTGTGGCCCGGAAGAGCAGCTCGAGGCAC[C>G]TGAAGTAGGACACAGAACAGGGGTGAAGAGGAATCAATTTCAGAAACTCTAGGGTAAGTA-3'